The following is an entry in ClinVar:

ClinVar aggregate classification (germline): Pathogenic. Review status: reviewed by expert panel (3 of 4 stars). 3 submissions from 3 submitters: Pathogenic (1). 2 of the submissions do not count toward it. Last evaluated 2023-10-15.

Conditions:
Phenylketonuria (PKU). Also called: Phenylketonurias; Phenylketonuria (PKU); OLIGOPHRENIA PHENYLPYRUVICA; FOLLING DISEASE. Identifiers: Orphanet 716, MedGen C0031485, MONDO:0009861, OMIM 261600. Disease mechanism: loss of function.

gnomAD v4.1: 1 of 1,613,800 alleles (0.000062%); no homozygotes.

Submissions (3):

ClinGen PAH Variant Curation Expert Panel
Classification: Pathogenic for Phenylketonuria. Last evaluated: 2023-10-15. Review status: reviewed by expert panel. Criteria: ClinGen PAH ACMG Specifications v1. Collection method: curation. Allele origin: germline. Inheritance: Autosomal recessive inheritance.
Comment: The NM_000277.3(PAH):c.226G>T (p.Glu76Ter) is a nonsense variant in exon 3/13 of PAH, and is predicted to result in PTC with removal of >10% of the protein and NMD (PVS1). The variant is absent from population databases, including gnomAD, ExAC, 1000 Genomes, or ESP (PM2_supporting). The variant has been previously reported in a patient with classic PKU (plasma Phe >1200 uM) (PMID: 17096675) with BH4 deficiency not noted to have been formally excluded (PP4), in cis with the c.1089delG variant (ClinVar Pathogenic, see ID 102518). In summary, this variant meets criteria to be classified as Pathogenic for PAH. PAH-specific ACMG/AMP criteria applied: PVS1, PM2_supporting, PP4.

Natera, Inc.
Classification: Pathogenic for Phenylketonuria. Last evaluated: 2025-10-30. Review status: criteria provided, single submitter. Criteria: Natera Variant Classification Schema (03/2026). Collection method: clinical testing. Allele origin: germline. Not counted in ClinVar's aggregate classification.
Comment: The c.226G>T variant in PAH is a nonsense variant predicted to introduce a stop codon at amino acid 76. This variant is expected to result in nonsense mediated decay, truncation, or a dysfunctional protein product. This variant is rare in the general population with a frequency below the threshold expected for the associated phenotype(s). This variant has been observed in one or more individuals affected with the associated recessive disease, as either homozygous or compound heterozygous with a second variant (PMID: 17096675). Given the available evidence, this variant is classified as Pathogenic.

Women's Health and Genetics/Laboratory Corporation of America, LabCorp
Classification: Likely pathogenic for Phenylketonuria. Last evaluated: 2016-10-14. Review status: criteria provided, single submitter. Criteria: LabCorp Variant Classification Summary - May 2015. Collection method: clinical testing. Allele origin: germline. Not counted in ClinVar's aggregate classification.
Comment: Variant summary: The PAH c.226G>T (p.Glu76X) variant results in a premature termination codon, predicted to cause a truncated or absent PAH protein due to nonsense mediated decay, which are commonly known mechanisms for disease. One in silico tool predicts a damaging outcome for this variant. 5/5 splice prediction tools predict no significant impact on normal splicing. ESE finder predicts that this variant may affect multiple ESE sites. However, these predictions have yet to be confirmed by functional studies. This variant is absent in 121374 control chromosomes and has been reported in one HPA patient with c.1089delG in cis (Daniele_2006). c.1089delG has been reported as a frequent pathogenic variant in PKU and HPA patients. No patient with c.226G>T in separation has been reported. Taken together, this variant is classified as likely pathogenic.

Literature cited by the submitters: PubMed 17096675 (cited by Natera, Inc. and Women's Health and Genetics/Laboratory Corporation of America, LabCorp); PubMed 25525159 (cited by Women's Health and Genetics/Laboratory Corporation of America, LabCorp).

NM_000277.3(PAH):c.226G>T (p.Glu76Ter)

Gene: PAH (phenylalanine hydroxylase; minus strand). Cytogenetic location: 12q23.2.
Variant type: single nucleotide variant.
Coding change: c.226G>T on transcript NM_000277.3 (MANE Select); coding-DNA position 226, G replaced by T.
Protein change: p.Glu76Ter; replaces glutamic acid 76 with a stop codon.
Molecular consequence: nonsense.
Genome position (GRCh38, 1-based): chr12:102,894,861, C>A on the plus strand (G>T on the coding strand, the complement: PAH is on the minus strand). VCF-style: chr12-102894861-C-A. GRCh37 (hg19) VCF-style: chr12-103288639-C-A.
Other names: NM_000277.3(PAH):c.226G>T; p.Glu76Ter; c.226G>T, p.Glu76Ter (NM_001354304.2); c.226G>T (NM_000277.2); short protein forms E76*.
Identifiers: ClinVar variation 495789 (VCV000495789.2), dbSNP rs762949770, ClinGen allele CA16020752.